The following is an entry in ClinVar:

ClinVar aggregate classification (germline): Uncertain significance (1 of 4 stars; one submission).

Conditions:
3-methylglutaconic aciduria, type VIIB (MGCA7B). Also called: CLPB Deficiency; 3-methylglutaconic aciduria with cataracts, neurologic involvement and neutropenia; 3-methylglutaconic aciduria, type VII, with cataracts, neurologic involvement and neutropenia. Identifiers: Orphanet 445038, MedGen C5676893, MONDO:0014561, OMIM 616271.

Submission:

Labcorp Genetics (formerly Invitae), Labcorp
Classification: Uncertain significance for 3-methylglutaconic aciduria, type VIIB. Last evaluated: 2025-10-09. Review status: criteria provided, single submitter. Criteria: Invitae Variant Classification Sherloc (09022015). Collection method: clinical testing. Allele origin: germline.
Comment: This sequence change replaces asparagine, which is neutral and polar, with lysine, which is basic and polar, at codon 366 of the CLPB protein (p.Asn366Lys). This variant is not present in population databases (gnomAD no frequency). This variant has not been reported in the literature in individuals affected with CLPB-related conditions. ClinVar contains an entry for this variant (Variation ID: 1467326). An algorithm developed to predict the effect of missense changes on protein structure and function (PolyPhen-2) suggests that this variant is likely to be disruptive. In summary, the available evidence is currently insufficient to determine the role of this variant in disease. Therefore, it has been classified as a Variant of Uncertain Significance.

NM_001258392.3(CLPB):c.1008T>G (p.Asn336Lys)

Gene: CLPB (ClpB family mitochondrial disaggregase; minus strand). Cytogenetic location: 11q13.4.
Variant type: single nucleotide variant.
Coding change: c.1008T>G on transcript NM_001258392.3 (MANE Select); coding-DNA position 1008, T replaced by G.
Protein change: p.Asn336Lys; replaces asparagine 336 with lysine.
Molecular consequence: missense variant.
Genome position (GRCh38, 1-based): chr11:72,308,585, A>C on the plus strand (T>G on the coding strand, the complement: CLPB is on the minus strand). VCF-style: chr11-72308585-A-C. GRCh37 (hg19) VCF-style: chr11-72019629-A-C.
Other names: c.921T>G, p.Asn307Lys (NM_001258393.3); c.963T>G, p.Asn321Lys (NM_001258394.3); c.1098T>G, p.Asn366Lys (NM_030813.6); short protein forms N307K, N336K, N366K, N321K.
Identifiers: ClinVar variation 1467326 (VCV001467326.6), dbSNP rs2135512797, ClinGen allele CA381736461.